The following is an entry in ClinVar:

ClinVar aggregate classification (germline): Pathogenic (1 of 4 stars; one submission).

Allele frequency attached by ClinVar (database versions not stated): gnomAD 0.00001; TOPMed 0.00002.

Submission:

Labcorp Genetics (formerly Invitae), Labcorp
Classification: Pathogenic. Last evaluated: 2022-12-25. Review status: criteria provided, single submitter. Criteria: Invitae Variant Classification Sherloc (09022015). Collection method: clinical testing. Allele origin: germline.
Comment: This sequence change creates a premature translational stop signal (p.Asp151Glyfs*20) in the ZNF469 gene. It is expected to result in an absent or disrupted protein product. Loss-of-function variants in ZNF469 are known to be pathogenic (PMID: 23642083, 23680354). For these reasons, this variant has been classified as Pathogenic. Algorithms developed to predict the effect of sequence changes on RNA splicing suggest that this variant may create or strengthen a splice site. This variant has not been reported in the literature in individuals affected with ZNF469-related conditions. This variant is not present in population databases (gnomAD no frequency).

Literature cited by the submitters: PubMed 23642083; PubMed 23680354.

NM_001367624.2(ZNF469):c.449dup (p.Asp151fs)

Gene: ZNF469 (zinc finger protein 469; plus strand). Cytogenetic location: 16q24.2.
Variant type: Duplication.
Coding change: c.449dup on transcript NM_001367624.2 (MANE Select); coding-DNA position 449, one base duplicated (T; older notation c.449dupT).
Protein change: p.Asp151fs; shifts the reading frame from aspartic acid 151.
Molecular consequence: frameshift variant.
Genome position (GRCh38, 1-based): chr16:88,427,919, T duplicated. VCF-style (leftmost placement, unchanged base first): chr16-88427918-G-GT. GRCh37 (hg19) VCF-style: chr16-88494326-G-GT.
Other names: short protein forms D151fs.
Identifiers: ClinVar variation 2824061 (VCV002824061.3), dbSNP rs1279489246, ClinGen allele CA725562639.
Genomic context (GRCh38, chr16:88,427,918, plus strand): 5'-AAGCCCACCCTGGACGAGACACCAGAGAACCCACAGCTGGAGGCTGCCCAGCTCCCTGAG[G>GT]TGGACACCCCCCAGGGCCCTGGGACTGGAGCTCCACTCAGGCCGGGCCTCCCAAGGACTG-3'